The following is an entry in ClinVar:

NM_001048174.2(MUTYH):c.410C>G (p.Ala137Gly)

Gene: MUTYH (mutY DNA glycosylase; minus strand). Cytogenetic location: 1p34.1.
Variant type: single nucleotide variant.
Coding change: c.410C>G on transcript NM_001048174.2 (MANE Select); coding-DNA position 410, C replaced by G.
Protein change: p.Ala137Gly; replaces alanine 137 with glycine.
Molecular consequence: missense variant. On other transcripts: non-coding transcript variant (6), intron variant (4).
Genome position (GRCh38, 1-based): chr1:45,332,928, G>C on the plus strand (C>G on the coding strand, the complement: MUTYH is on the minus strand). VCF-style: chr1-45332928-G-C. GRCh37 (hg19) VCF-style: chr1-45798600-G-C.
Other names: c.494C>G, p.Ala165Gly (NM_001128425.2); c.455C>G, p.Ala152Gly (NM_001293190.2); c.431C>G, p.Ala144Gly (NM_001407087.1); c.410C>G, p.Ala137Gly (NM_001407088.1, NM_001407089.1, NM_001293195.2 and 5 more transcripts); c.134C>G, p.Ala45Gly (NM_001293192.2, NM_001293196.2, NM_001407091.1); c.443C>G, p.Ala148Gly (NM_001293191.2, NM_001407077.1); c.65C>G, p.Ala22Gly (NM_001350650.2, NM_001350651.2, NM_001407082.1); c.413C>G, p.Ala138Gly (NM_001048172.2, NM_001407071.1, NM_001407078.1 and 1 more transcripts); and 7 more; short protein forms A148G, A152G, A165G, A137G, A151G, A162G, A109G, A45G.
Identifiers: ClinVar variation 4113694 (VCV004113694.1).
Genomic context (GRCh38, chr1:45,332,928, plus strand): 5'-CGTCAGTCCCTCTATTGTTCCTATTTCCCCTACCCTAGGGTGGCTCTCACCTCCAGGGAA[G>C]CACTGGCCAGGTCCTGCAGTGTAGGCCACTTCTATAGCCACAGGCAGGCAGAAAGAGACA-3'
Protein context (NP_001041639.1, residues 127-147): KWPTLQDLAS[Ala137Gly]SLEEVNQLWA

ClinVar aggregate classification (germline): Uncertain significance (1 of 4 stars; one submission).

Conditions:
Hereditary cancer-predisposing syndrome. Also called: Hereditary neoplastic syndrome; Neoplastic Syndromes, Hereditary; Tumor predisposition; Hereditary Cancer Syndrome. Identifiers: Orphanet 140162, MedGen C0027672, MeSH D009386, MONDO:0015356.

Submission:

Ambry Genetics
Classification: Uncertain significance for Hereditary cancer-predisposing syndrome. Last evaluated: 2025-08-27. Review status: criteria provided, single submitter. Criteria: Ambry Variant Classification Scheme 2023. Collection method: clinical testing. Allele origin: germline.
Comment: The p.A165G variant (also known as c.494C>G), located in coding exon 6 of the MUTYH gene, results from a C to G substitution at nucleotide position 494. The alanine at codon 165 is replaced by glycine, an amino acid with similar properties. This amino acid position is conserved. In addition, this alteration is predicted to be deleterious by in silico analysis. Based on the available evidence, the clinical significance of this variant remains unclear.